The following is an entry in ClinVar:

ClinVar aggregate classification (germline): Uncertain significance (1 of 4 stars; one submission).

Conditions:
DICER1-related tumor predisposition. Also called: DICER1-related pleuropulmonary blastoma cancer predisposition syndrome; DICER1 syndrome. Identifiers: Orphanet 284343, MedGen C3839822, MONDO:0100216.

Allele frequency attached by ClinVar (database versions not stated): gnomAD exomes below 0.00001.
gnomAD v4.1: 1 of 1,611,580 alleles (0.000062%); highest among the groups gnomAD compares: Non-Finnish European, 0.000085%; no homozygotes.

Submission:

Labcorp Genetics (formerly Invitae), Labcorp
Classification: Uncertain significance for DICER1-related tumor predisposition. Last evaluated: 2018-10-15. Review status: criteria provided, single submitter. Criteria: Invitae Variant Classification Sherloc (09022015). Collection method: clinical testing. Allele origin: germline.
Comment: This sequence change replaces glutamic acid with glycine at codon 583 of the DICER1 protein (p.Glu583Gly). The glutamic acid residue is highly conserved and there is a moderate physicochemical difference between glutamic acid and glycine. This variant is not present in population databases (ExAC no frequency). In summary, the available evidence is currently insufficient to determine the role of this variant in disease. Therefore, it has been classified as a Variant of Uncertain Significance. Algorithms developed to predict the effect of missense changes on protein structure and function (SIFT, PolyPhen-2, Align-GVGD) all suggest that this variant is likely to be disruptive, but these predictions have not been confirmed by published functional studies and their clinical significance is uncertain. This variant has not been reported in the literature in individuals with DICER1-related disease.

NM_177438.3(DICER1):c.1748A>G (p.Glu583Gly)

Gene: DICER1 (dicer 1, ribonuclease III; minus strand). Cytogenetic location: 14q32.13.
Variant type: single nucleotide variant.
Coding change: c.1748A>G on transcript NM_177438.3 (MANE Select); coding-DNA position 1748, A replaced by G.
Protein change: p.Glu583Gly; replaces glutamic acid 583 with glycine.
Molecular consequence: missense variant.
Genome position (GRCh38, 1-based): chr14:95,116,457, T>C on the plus strand (A>G on the coding strand, the complement: DICER1 is on the minus strand). VCF-style: chr14-95116457-T-C. GRCh37 (hg19) VCF-style: chr14-95582794-T-C.
Other names: c.1748A>G, p.Glu583Gly (NM_001195573.1, NM_001271282.3, NM_001291628.2 and 1 more transcripts); short protein forms E583G.
Identifiers: ClinVar variation 646766 (VCV000646766.10), dbSNP rs1595410332, ClinGen allele CA390884653.